The following is an entry in ClinVar:

ClinVar aggregate classification (germline): Uncertain significance (1 of 4 stars; one submission).

Conditions:
Gorlin syndrome. Also called: Nevoid Basal Cell Carcinoma Syndrome; Basal cell nevus syndrome. Identifiers: Orphanet 377, MedGen C0004779, MONDO:0007187.

Allele frequency attached by ClinVar (database versions not stated): gnomAD exomes below 0.00001 and 0.00001; gnomAD 0.00001; TOPMed 0.00002.
gnomAD v4.1: 6 of 1,546,114 alleles (0.00039%); highest among the groups gnomAD compares: Non-Finnish European, 0.00052%; no homozygotes.

Submission:

Labcorp Genetics (formerly Invitae), Labcorp
Classification: Uncertain significance for Gorlin syndrome. Last evaluated: 2017-09-05. Review status: criteria provided, single submitter. Criteria: Invitae Variant Classification Sherloc (09022015). Collection method: clinical testing. Allele origin: germline.
Comment: This sequence change creates a premature translational stop signal (p.Arg3*) in the PTCH2 gene. It is expected to result in an absent or disrupted protein product. While this variant is not present in population databases, the frequency information is unreliable, as metrics indicate poor data quality at this position in the ExAC database. This variant has not been reported in the literature in individuals with PTCH2-related disease. ClinVar contains an entry for this variant (Variation ID: 409126). The current clinical and genetic evidence is not sufficient to establish whether loss-of-function variants in PTCH2 cause disease. In summary, the available evidence is currently insufficient to determine the role of this variant in disease. Therefore, it has been classified as a Variant of Uncertain Significance.

NM_003738.5(PTCH2):c.7C>T (p.Arg3Ter)

Gene: PTCH2 (patched 2; minus strand). Cytogenetic location: 1p34.1.
Variant type: single nucleotide variant.
Coding change: c.7C>T on transcript NM_003738.5 (MANE Select); coding-DNA position 7, C replaced by T.
Protein change: p.Arg3Ter; replaces arginine 3 with a stop codon.
Molecular consequence: nonsense.
Genome position (GRCh38, 1-based): chr1:44,842,926, G>A on the plus strand (C>T on the coding strand, the complement: PTCH2 is on the minus strand). VCF-style: chr1-44842926-G-A. GRCh37 (hg19) VCF-style: chr1-45308598-G-A.
Other names: c.7C>T, p.Arg3Ter (NM_001166292.2); short protein forms R3*.
Identifiers: ClinVar variation 409126 (VCV000409126.7), dbSNP rs1060502263, ClinGen allele CA16610161.